The following is an entry in ClinVar:

NM_152594.3(SPRED1):c.1015C>G (p.Gln339Glu)

Gene: SPRED1 (sprouty related EVH1 domain containing 1; plus strand). Cytogenetic location: 15q14.
Variant type: single nucleotide variant.
Coding change: c.1015C>G on transcript NM_152594.3 (MANE Select); coding-DNA position 1015, C replaced by G.
Protein change: p.Gln339Glu; replaces glutamine 339 with glutamic acid.
Molecular consequence: missense variant.
Genome position (GRCh38, 1-based): chr15:38,351,344, C>G. VCF-style: chr15-38351344-C-G. GRCh37 (hg19) VCF-style: chr15-38643545-C-G.
Other names: short protein forms Q339E.
Identifiers: ClinVar variation 3800897 (VCV003800897.1).

ClinVar aggregate classification (germline): Uncertain significance (1 of 4 stars; one submission).

Conditions:
Cardiovascular phenotype. Identifiers: MedGen CN230736.

Submission:

Ambry Genetics
Classification: Uncertain significance for Cardiovascular phenotype. Last evaluated: 2025-01-05. Review status: criteria provided, single submitter. Criteria: Ambry Variant Classification Scheme 2023. Collection method: clinical testing. Allele origin: germline.
Comment: The p.Q339E variant (also known as c.1015C>G), located in coding exon 7 of the SPRED1 gene, results from a C to G substitution at nucleotide position 1015. The glutamine at codon 339 is replaced by glutamic acid, an amino acid with highly similar properties. This amino acid position is conserved. In addition, this alteration is predicted to be tolerated by in silico analysis. Based on the available evidence, the clinical significance of this variant remains unclear.